The following is an entry in ClinVar:

NM_052844.4(DYNC2I2):c.961C>T (p.Arg321Trp)

Genes: DYNC2I2 (dynein 2 intermediate chain 2; minus strand), LOC126860772 (CDK7 strongly-dependent group 2 enhancer GRCh37_chr9:131396972-131398171; plus strand). Cytogenetic location: 9q34.11.
Variant type: single nucleotide variant.
Coding change: c.961C>T on transcript NM_052844.4 (MANE Select); coding-DNA position 961, C replaced by T.
Protein change: p.Arg321Trp; replaces arginine 321 with tryptophan.
Molecular consequence: missense variant.
Genome position (GRCh38, 1-based): chr9:128,635,112, G>A on the plus strand (C>T on the coding strand, the complement: DYNC2I2 is on the minus strand). VCF-style: chr9-128635112-G-A. GRCh37 (hg19) VCF-style: chr9-131397391-G-A.
Other names: c.961C>T (NM_052844.3); short protein forms R321W.
Identifiers: ClinVar variation 1681217 (VCV001681217.4), dbSNP rs369567140, ClinGen allele CA5266407.

ClinVar aggregate classification (germline): Uncertain significance. Review status: criteria provided, multiple submitters, no conflicts (2 of 4 stars). 2 submissions from 2 submitters: Uncertain significance (2). Last evaluated 2022-06-24.

Conditions:
Inborn genetic diseases. Identifiers: MedGen C0950123, MeSH D030342.
Short-rib thoracic dysplasia 11 with or without polydactyly (SRTD11). Also called: SHORT-RIB THORACIC DYSPLASIA 11 WITHOUT POLYDACTYLY. Identifiers: Orphanet 474, Orphanet 93271, MedGen C3810200, MONDO:0014287, OMIM 615633.

Allele frequency attached by ClinVar (database versions not stated): gnomAD exomes 0.00002 and 0.00003; ExAC 0.00003; ESP Exome Variant Server 0.00008; gnomAD 0.00011 and 0.00013; TOPMed 0.00012.
gnomAD v4.1: 39 of 1,612,294 alleles (0.0024%); highest among the groups gnomAD compares: African/African-American, 0.031%; no homozygotes.

Submissions (2):

Ambry Genetics
Classification: Uncertain significance for Inborn genetic diseases. Last evaluated: 2022-06-24. Review status: criteria provided, single submitter. Criteria: Ambry Variant Classification Scheme 2023. Collection method: clinical testing. Allele origin: germline.

Labcorp Genetics (formerly Invitae), Labcorp
Classification: Uncertain significance for Short-rib thoracic dysplasia 11 with or without polydactyly. Last evaluated: 2022-02-15. Review status: criteria provided, single submitter. Criteria: Invitae Variant Classification Sherloc (09022015). Collection method: clinical testing. Allele origin: germline.
Comment: This sequence change replaces arginine, which is basic and polar, with tryptophan, which is neutral and slightly polar, at codon 321 of the WDR34 protein (p.Arg321Trp). This variant is present in population databases (rs369567140, gnomAD 0.03%). This variant has not been reported in the literature in individuals affected with WDR34-related conditions. Algorithms developed to predict the effect of missense changes on protein structure and function are either unavailable or do not agree on the potential impact of this missense change (SIFT: "Deleterious"; PolyPhen-2: "Benign"; Align-GVGD: "Class C15"). In summary, the available evidence is currently insufficient to determine the role of this variant in disease. Therefore, it has been classified as a Variant of Uncertain Significance.